The following is an entry in ClinVar:

ClinVar aggregate classification (germline): Uncertain significance (1 of 4 stars; one submission).

Submission:

GeneDx
Classification: Uncertain significance. Last evaluated: 2023-02-10. Review status: criteria provided, single submitter. Criteria: GeneDx Variant Classification Process June 2021. Collection method: clinical testing. Allele origin: germline. Affected: yes.
Comment: Not observed at significant frequency in large population cohorts (gnomAD); In silico analysis supports that this missense variant has a deleterious effect on protein structure/function; Has not been previously published as pathogenic or benign to our knowledge

NM_004539.4(NARS1):c.1495T>C (p.Tyr499His)

Gene: NARS1 (asparaginyl-tRNA synthetase 1; minus strand). Cytogenetic location: 18q21.31.
Variant type: single nucleotide variant.
Coding change: c.1495T>C on transcript NM_004539.4 (MANE Select); coding-DNA position 1495, T replaced by C.
Protein change: p.Tyr499His; replaces tyrosine 499 with histidine.
Molecular consequence: missense variant.
Genome position (GRCh38, 1-based): chr18:57,602,375, A>G on the plus strand (T>C on the coding strand, the complement: NARS1 is on the minus strand). VCF-style: chr18-57602375-A-G. GRCh37 (hg19) VCF-style: chr18-55269607-A-G.
Other names: short protein forms Y499H.
Identifiers: ClinVar variation 2575616 (VCV002575616.1), dbSNP rs2511565948, ClinGen allele CA402543411.